The following is an entry in ClinVar:

NM_003737.4(DCHS1):c.7730G>A (p.Arg2577His)

Gene: DCHS1 (dachsous cadherin-related 1; minus strand). Cytogenetic location: 11p15.4.
Variant type: single nucleotide variant.
Coding change: c.7730G>A on transcript NM_003737.4 (MANE Select); coding-DNA position 7730, G replaced by A.
Protein change: p.Arg2577His; replaces arginine 2577 with histidine.
Molecular consequence: missense variant.
Genome position (GRCh38, 1-based): chr11:6,623,946, C>T on the plus strand (G>A on the coding strand, the complement: DCHS1 is on the minus strand). VCF-style: chr11-6623946-C-T. GRCh37 (hg19) VCF-style: chr11-6645177-C-T.
Other names: c.7730G>A (NM_003737.2); short protein forms R2577H.
Identifiers: ClinVar variation 1921117 (VCV001921117.6), dbSNP rs769888974, ClinGen allele CA5859551.
Genomic context (GRCh38, chr11:6,623,946, plus strand): 5'-TCATTGACATCTAGTACAGTGACAGTGACTGGCACGACTGAGCTTTGGGGTGGCTGCCCA[C>T]GGTCAGCTGCAGCCACTGTTAGATTGTACTGTGTCAGGCTTTCAAAGTCTAGAGGTTCAA-3'
Protein context (NP_003728.1, residues 2567-2587): QYNLTVAAAD[Arg2577His]GQPPQSSVVP

ClinVar aggregate classification (germline): Uncertain significance. Review status: criteria provided, multiple submitters, no conflicts (2 of 4 stars). 2 submissions from 2 submitters: Uncertain significance (2). Last evaluated 2025-03-17.

Conditions:
Inborn genetic diseases. Identifiers: MedGen C0950123, MeSH D030342.

Allele frequency attached by ClinVar (database versions not stated): gnomAD 0.00003; TOPMed 0.00002; ExAC 0.00003.
gnomAD v4.1: 33 of 1,605,916 alleles (0.0021%); highest among the groups gnomAD compares: South Asian, 0.0044%; no homozygotes.

Submissions (2):

Ambry Genetics
Classification: Uncertain significance for Inborn genetic diseases. Last evaluated: 2025-03-17. Review status: criteria provided, single submitter. Criteria: Ambry Variant Classification Scheme 2023. Collection method: clinical testing. Allele origin: germline.

Labcorp Genetics (formerly Invitae), Labcorp
Classification: Uncertain significance. Last evaluated: 2024-01-22. Review status: criteria provided, single submitter. Criteria: Invitae Variant Classification Sherloc (09022015). Collection method: clinical testing. Allele origin: germline.
Comment: This sequence change replaces arginine, which is basic and polar, with histidine, which is basic and polar, at codon 2577 of the DCHS1 protein (p.Arg2577His). This variant is present in population databases (rs769888974, gnomAD 0.007%). This variant has not been reported in the literature in individuals affected with DCHS1-related conditions. ClinVar contains an entry for this variant (Variation ID: 1921117). Advanced modeling of protein sequence and biophysical properties (such as structural, functional, and spatial information, amino acid conservation, physicochemical variation, residue mobility, and thermodynamic stability) performed at Invitae indicates that this missense variant is not expected to disrupt DCHS1 protein function with a negative predictive value of 80%. In summary, the available evidence is currently insufficient to determine the role of this variant in disease. Therefore, it has been classified as a Variant of Uncertain Significance.